The following is an entry in ClinVar:

ClinVar aggregate classification (germline): Uncertain significance. Review status: criteria provided, multiple submitters, no conflicts (2 of 4 stars). 4 submissions from 4 submitters: Uncertain significance (3). 1 of the submissions does not count toward it. Last evaluated 2025-05-01.

Conditions:
Inborn genetic diseases. Identifiers: MedGen C0950123, MeSH D030342.
Retinitis pigmentosa 25 (RP25). Identifiers: Orphanet 791, MedGen C1864446, MONDO:0011272, OMIM 602772.

Allele frequency attached by ClinVar (database versions not stated): gnomAD exomes 0.00001; gnomAD 0.00003 and 0.00004; TOPMed 0.00003.
gnomAD v4.1: 14 of 1,553,878 alleles (0.0009%); highest among the groups gnomAD compares: African/African-American, 0.014%; no homozygotes.

Submissions (4):

Ambry Genetics
Classification: Uncertain significance for Inborn genetic diseases. Last evaluated: 2025-05-01. Review status: criteria provided, single submitter. Criteria: Ambry Variant Classification Scheme 2023. Collection method: clinical testing. Allele origin: germline.

GeneDx
Classification: Uncertain significance. Last evaluated: 2025-04-07. Review status: criteria provided, single submitter. Criteria: GeneDx Variant Classification Process June 2021. Collection method: clinical testing. Allele origin: germline. Affected: yes.
Comment: In silico analysis indicates that this missense variant does not alter protein structure/function; Has not been previously published as pathogenic or benign to our knowledge

Labcorp Genetics (formerly Invitae), Labcorp
Classification: Uncertain significance. Last evaluated: 2024-02-24. Review status: criteria provided, single submitter. Criteria: Invitae Variant Classification Sherloc (09022015). Collection method: clinical testing. Allele origin: germline.
Comment: This sequence change replaces glutamic acid, which is acidic and polar, with alanine, which is neutral and non-polar, at codon 375 of the EYS protein (p.Glu375Ala). This variant is present in population databases (no rsID available, gnomAD 0.01%). This variant has not been reported in the literature in individuals affected with EYS-related conditions. ClinVar contains an entry for this variant (Variation ID: 934068). Advanced modeling of protein sequence and biophysical properties (such as structural, functional, and spatial information, amino acid conservation, physicochemical variation, residue mobility, and thermodynamic stability) has been performed at Invitae for this missense variant, however the output from this modeling did not meet the statistical confidence thresholds required to predict the impact of this variant on EYS protein function. In summary, the available evidence is currently insufficient to determine the role of this variant in disease. Therefore, it has been classified as a Variant of Uncertain Significance.

Natera, Inc.
Classification: Uncertain significance for Retinitis pigmentosa type 25. Last evaluated: 2020-09-25. Review status: no assertion criteria provided. Collection method: clinical testing. Allele origin: germline. Not counted in ClinVar's aggregate classification.

NM_001142800.2(EYS):c.1124A>C (p.Glu375Ala)

Gene: EYS (EGF-like photoreceptor maintenance factor; minus strand). Cytogenetic location: 6q12.
Variant type: single nucleotide variant.
Coding change: c.1124A>C on transcript NM_001142800.2 (MANE Select); coding-DNA position 1124, A replaced by C.
Protein change: p.Glu375Ala; replaces glutamic acid 375 with alanine.
Molecular consequence: missense variant.
Genome position (GRCh38, 1-based): chr6:65,402,538, T>G on the plus strand (A>C on the coding strand, the complement: EYS is on the minus strand). VCF-style: chr6-65402538-T-G. GRCh37 (hg19) VCF-style: chr6-66112431-T-G.
Other names: c.1124A>C, p.Glu375Ala (NM_001142801.2, NM_001292009.2, NM_198283.2); short protein forms E375A.
Identifiers: ClinVar variation 934068 (VCV000934068.11), dbSNP rs955372590, ClinGen allele CA139845044.